The following continues an entry in ClinVar:

NM_001967.4(EIF4A2):c.772-3C>T

Gene: EIF4A2. ClinVar aggregate classification (germline): Benign.

Submissions 33 to 43 of 43:

Dr. Peter K. Rogan Lab, Western University
No classification provided (evidence only). Condition: Malignant tumor of esophagus. Review status: no classification provided. Collection method: in vitro. Allele origin: not applicable. Functional consequence: retained intron. Not counted in ClinVar's aggregate classification.

Dr. Peter K. Rogan Lab, Western University
No classification provided (evidence only). Condition: Malignant tumor of esophagus. Review status: no classification provided. Collection method: in vitro. Allele origin: not applicable. Functional consequence: retained intron. Not counted in ClinVar's aggregate classification.

Dr. Peter K. Rogan Lab, Western University
No classification provided (evidence only). Condition: Nonpapillary renal cell carcinoma. Review status: no classification provided. Collection method: in vitro. Allele origin: not applicable. Functional consequence: retained intron. Not counted in ClinVar's aggregate classification.

Dr. Peter K. Rogan Lab, Western University
No classification provided (evidence only). Condition: Hepatocellular carcinoma. Review status: no classification provided. Collection method: in vitro. Allele origin: not applicable. Functional consequence: retained intron. Not counted in ClinVar's aggregate classification.

Dr. Peter K. Rogan Lab, Western University
No classification provided (evidence only). Condition: Hepatocellular carcinoma. Review status: no classification provided. Collection method: in vitro. Allele origin: not applicable. Functional consequence: retained intron. Not counted in ClinVar's aggregate classification.

Dr. Peter K. Rogan Lab, Western University
No classification provided (evidence only). Condition: Hepatocellular carcinoma. Review status: no classification provided. Collection method: in vitro. Allele origin: not applicable. Functional consequence: retained intron. Not counted in ClinVar's aggregate classification.

Dr. Peter K. Rogan Lab, Western University
No classification provided (evidence only). Condition: Hepatocellular carcinoma. Review status: no classification provided. Collection method: in vitro. Allele origin: not applicable. Functional consequence: retained intron. Not counted in ClinVar's aggregate classification.

Dr. Peter K. Rogan Lab, Western University
No classification provided (evidence only). Condition: Hepatocellular carcinoma. Review status: no classification provided. Collection method: in vitro. Allele origin: not applicable. Functional consequence: retained intron. Not counted in ClinVar's aggregate classification.

Dr. Peter K. Rogan Lab, Western University
No classification provided (evidence only). Condition: Hepatocellular carcinoma. Review status: no classification provided. Collection method: in vitro. Allele origin: not applicable. Functional consequence: retained intron. Not counted in ClinVar's aggregate classification.

Dr. Peter K. Rogan Lab, Western University
No classification provided (evidence only). Condition: Lymphoma. Review status: no classification provided. Collection method: in vitro. Allele origin: not applicable. Functional consequence: retained intron. Not counted in ClinVar's aggregate classification.

Dr. Peter K. Rogan Lab, Western University
No classification provided (evidence only). Condition: Ovarian cancer. Review status: no classification provided. Collection method: in vitro. Allele origin: not applicable. Functional consequence: retained intron. Not counted in ClinVar's aggregate classification.